The following is an entry in ClinVar:

ClinVar aggregate classification (germline): Uncertain significance (0 of 4 stars; one submission).

Conditions:
Charcot-Marie-Tooth disease. Also called: Charcot-Marie-Tooth Hereditary Neuropathy; Charcot-Marie-Tooth Neuropathy. Identifiers: Orphanet 166, MedGen C0007959, MONDO:0015626.

Submission:

Dept. of Medical Genetics, Telemark Hospital Trust, Telemark Hospital Trust
Classification: Uncertain significance for Charcot-Marie-Tooth disease. Last evaluated: 2013-11-01. Review status: no assertion criteria provided. Collection method: research. Allele origin: unknown. Affected: yes. Study: Charcot-Marie-Tooth disease study.
Comment: Populational based study of Charcot-Marie-Tooth disease in Norway

Literature cited by the submitters: PubMed 25025039; PMC 4306395.

NM_015046.5(SETX):c.[59G>A(;)3809C>T]

Variant type: Phase unknown.
Identifiers: ClinVar variation 157525 (VCV000157525.3).